The following is an entry in ClinVar:

NM_001453.3(FOXC1):c.262A>C (p.Thr88Pro)

Genes: FOXC1 (forkhead box C1; plus strand), LOC129995601 (ATAC-STARR-seq lymphoblastoid active region 23864; plus strand). Cytogenetic location: 6p25.3.
Variant type: single nucleotide variant.
Coding change: c.262A>C on transcript NM_001453.3 (MANE Select); coding-DNA position 262, A replaced by C.
Protein change: p.Thr88Pro; replaces threonine 88 with proline.
Molecular consequence: missense variant.
Genome position (GRCh38, 1-based): chr6:1,610,707, A>C. VCF-style: chr6-1610707-A-C. GRCh37 (hg19) VCF-style: chr6-1610942-A-C.
Other names: short protein forms T88P.
Identifiers: ClinVar variation 844151 (VCV000844151.10), dbSNP rs1762520834, ClinGen allele CA362558425.

ClinVar aggregate classification (germline): Uncertain significance (1 of 4 stars; one submission).

Conditions:
Axenfeld-Rieger syndrome type 3 (RIEG3). Also called: AXENFELD-RIEGER ANOMALY WITH CARDIAC DEFECTS AND/OR SENSORINEURAL HEARING LOSS. Identifiers: Orphanet 782, MedGen C2678503, MONDO:0011233, OMIM 602482.

Submission:

Labcorp Genetics (formerly Invitae), Labcorp
Classification: Uncertain significance for Axenfeld-Rieger syndrome type 3. Last evaluated: 2019-11-28. Review status: criteria provided, single submitter. Criteria: Invitae Variant Classification Sherloc (09022015). Collection method: clinical testing. Allele origin: germline.
Comment: This sequence change replaces threonine with proline at codon 88 of the FOXC1 protein (p.Thr88Pro). The threonine residue is highly conserved and there is a small physicochemical difference between threonine and proline. In summary, the available evidence is currently insufficient to determine the role of this variant in disease. Therefore, it has been classified as a Variant of Uncertain Significance. Algorithms developed to predict the effect of missense changes on protein structure and function (SIFT, PolyPhen-2, Align-GVGD) all suggest that this variant is likely to be disruptive, but these predictions have not been confirmed by published functional studies and their clinical significance is uncertain. This variant has not been reported in the literature in individuals with FOXC1-related conditions. This variant is not present in population databases (ExAC no frequency).